The following is an entry in ClinVar:

NM_000747.3(CHRNB1):c.1025T>A (p.Met342Lys)

Gene: CHRNB1 (cholinergic receptor nicotinic beta 1 subunit; plus strand). Cytogenetic location: 17p13.1.
Variant type: single nucleotide variant.
Coding change: c.1025T>A on transcript NM_000747.3 (MANE Select); coding-DNA position 1025, T replaced by A.
Protein change: p.Met342Lys; replaces methionine 342 with lysine.
Molecular consequence: missense variant.
Genome position (GRCh38, 1-based): chr17:7,454,501, T>A. VCF-style: chr17-7454501-T-A. GRCh37 (hg19) VCF-style: chr17-7357820-T-A.
Other names: short protein forms M342K.
Identifiers: ClinVar variation 3652856 (VCV003652856.2).

ClinVar aggregate classification (germline): Uncertain significance (1 of 4 stars; one submission).

Conditions:
Congenital myasthenic syndrome 2A. Also called: Myasthenic syndrome, congenital, 2a, slow-channel. Identifiers: Orphanet 590, MedGen C4225374, MONDO:0014581, OMIM 616313.

Submission:

Labcorp Genetics (formerly Invitae), Labcorp
Classification: Uncertain significance for Congenital myasthenic syndrome 2A. Last evaluated: 2024-05-24. Review status: criteria provided, single submitter. Criteria: Invitae Variant Classification Sherloc (09022015). Collection method: clinical testing. Allele origin: germline.
Comment: This sequence change replaces methionine, which is neutral and non-polar, with lysine, which is basic and polar, at codon 342 of the CHRNB1 protein (p.Met342Lys). This variant is not present in population databases (gnomAD no frequency). This variant has not been reported in the literature in individuals affected with CHRNB1-related conditions. Advanced modeling of protein sequence and biophysical properties (such as structural, functional, and spatial information, amino acid conservation, physicochemical variation, residue mobility, and thermodynamic stability) has been performed at Invitae for this missense variant, however the output from this modeling did not meet the statistical confidence thresholds required to predict the impact of this variant on CHRNB1 protein function. In summary, the available evidence is currently insufficient to determine the role of this variant in disease. Therefore, it has been classified as a Variant of Uncertain Significance.